The following is an entry in ClinVar:

ClinVar aggregate classification (germline): Benign/Likely benign. Review status: criteria provided, multiple submitters, no conflicts (2 of 4 stars). 3 submissions from 3 submitters: Benign (1); Likely benign (2). Last evaluated 2025-02-01.

Conditions:
Familial adenomatous polyposis 1 (FAP1). Also called: FAMILIAL ADENOMATOUS POLYPOSIS 1, ATTENUATED; POLYPOSIS, ADENOMATOUS INTESTINAL. Identifiers: MedGen C2713442, MONDO:0021056, OMIM 175100. Disease mechanism: loss of function.
Hereditary cancer-predisposing syndrome. Also called: Neoplastic Syndromes, Hereditary; Hereditary Cancer Syndrome; Tumor predisposition; Hereditary neoplastic syndrome. Identifiers: Orphanet 140162, MedGen C0027672, MeSH D009386, MONDO:0015356.

Submissions (3):

Labcorp Genetics (formerly Invitae), Labcorp
Classification: Likely benign for Familial adenomatous polyposis 1. Last evaluated: 2025-02-01. Review status: criteria provided, single submitter. Criteria: Invitae Variant Classification Sherloc (09022015). Collection method: clinical testing. Allele origin: germline.

Ambry Genetics
Classification: Likely benign for Hereditary cancer-predisposing syndrome. Last evaluated: 2025-01-02. Review status: criteria provided, single submitter. Criteria: Ambry Variant Classification Scheme 2023. Collection method: clinical testing. Allele origin: germline.

Myriad Genetics, Inc.
Classification: Benign for Familial adenomatous polyposis 1. Last evaluated: 2024-04-05. Review status: criteria provided, single submitter. Criteria: Myriad Autosomal Dominant, Autosomal Recessive and X-Linked Classification Criteria (2023). Collection method: clinical testing. Allele origin: unknown.
Comment: This variant is considered benign. This variant is a silent/synonymous amino acid change and it is not expected to impact splicing.

NM_000038.6(APC):c.6834G>A (p.Val2278=)

Gene: APC (APC regulator of Wnt signaling pathway; plus strand). Cytogenetic location: 5q22.2.
Variant type: single nucleotide variant.
Coding change: c.6834G>A on transcript NM_000038.6 (MANE Select); coding-DNA position 6834, G replaced by A.
Protein change: p.Val2278=; no amino-acid change (valine 2278 retained).
Molecular consequence: synonymous variant.
Genome position (GRCh38, 1-based): chr5:112,842,428, G>A. VCF-style: chr5-112842428-G-A. GRCh37 (hg19) VCF-style: chr5-112178125-G-A.
Other names: c.6834G>A, p.Val2278= (NM_001127510.3, NM_001354895.2); c.6780G>A, p.Val2260= (NM_001127511.3); c.6888G>A, p.Val2296= (NM_001354896.2); c.6864G>A, p.Val2288= (NM_001354897.2); c.6759G>A, p.Val2253= (NM_001354898.2); c.6750G>A, p.Val2250= (NM_001354899.2); c.6711G>A, p.Val2237= (NM_001354900.2); c.6657G>A, p.Val2219= (NM_001354901.2); and 5 more.
Identifiers: ClinVar variation 705920 (VCV000705920.13), dbSNP rs1580675277, ClinGen allele CA446210348.